The following is an entry in ClinVar:

NM_003185.4(TAF4):c.2926C>T (p.Gln976Ter)

Gene: TAF4 (TATA-box binding protein associated factor 4; minus strand). Cytogenetic location: 20q13.33.
Variant type: single nucleotide variant.
Coding change: c.2926C>T on transcript NM_003185.4 (MANE Select); coding-DNA position 2926, C replaced by T.
Protein change: p.Gln976Ter; replaces glutamine 976 with a stop codon.
Molecular consequence: nonsense.
Genome position (GRCh38, 1-based): chr20:61,998,180, G>A on the plus strand (C>T on the coding strand, the complement: TAF4 is on the minus strand). VCF-style: chr20-61998180-G-A. GRCh37 (hg19) VCF-style: chr20-60573236-G-A.
Other names: short protein forms Q976*.
Identifiers: ClinVar variation 5019000 (VCV005019000.2).
Genomic context (GRCh38, chr20:61,998,180, plus strand): 5'-GACTAACAGGGCTCACCTCCTTTGCCTTCTGTTTCAGCCTTAACTGTTCTGGATCTTCTT[G>A]TCTTGACCGAGACTATTTTTGAAAGAGGCAGAAAAGAAAAGTAAGTTATGAACTAAATGT-3'

ClinVar aggregate classification (germline): Uncertain significance (1 of 4 stars; one submission).

Conditions:
Intellectual developmental disorder, autosomal dominant 73 (MRD73). Also called: TAF4-RELATED NDD; TAF4-RELATED NEURODEVELOPMENTAL DISORDER. Identifiers: MedGen C5830636, MONDO:0957536, OMIM 620450.

Submission:

Juno Genomics, Hangzhou Juno Genomics, Inc
Classification: Uncertain significance for Intellectual developmental disorder, autosomal dominant 73. Review status: criteria provided, single submitter. Criteria: ACMG Guidelines, 2015. Collection method: clinical testing. Allele origin: germline.
Comment: Absent from controls (or at extremely low frequency if recessive) in Genome Aggregation Database.